The following is an entry in ClinVar:

NM_000444.6(PHEX):c.1859_1862dup (p.Tyr622fs)

Genes: PHEX (phosphate regulating endopeptidase X-linked; plus strand), PTCHD1-AS (PTCHD1 and PHEX antisense RNA; minus strand). Cytogenetic location: Xp22.11.
Variant type: Duplication.
Coding change: c.1859_1862dup on transcript NM_000444.6 (MANE Select); coding-DNA positions 1859 to 1862, 4 bases duplicated (ACCA; older notation c.1859_1862dupACCA).
Protein change: p.Tyr622fs; shifts the reading frame from tyrosine 622.
Molecular consequence: frameshift variant.
Genome position (GRCh38, 1-based): chrX:22,221,703-22,221,706, ACCA duplicated; duplicating any 4 consecutive bases within chrX:22,221,702-22,221,706 gives the same sequence; the c. name uses the placement nearest the transcript's 3' end. VCF-style (leftmost placement, unchanged base first): chrX-22221701-T-TAACC. GRCh37 (hg19) VCF-style: chrX-22239818-T-TAACC.
Other names: c.1859_1862dup, p.Tyr622fs (NM_001282754.2); short protein forms Y622fs.
Identifiers: ClinVar variation 1366973 (VCV001366973.7), dbSNP rs2147174569, ClinGen allele CA2573158538.
Genomic context (GRCh38, chrX:22,221,701, plus strand): 5'-GGATCCTTGGTGGTCTACTGAATCAGAAGAAAAGTTTAAGGAAAAAACAAAATGCATGAT[T>TAACC]AACCAGTATAGCAACTATTATTGGAAGAAAGCTGGCTTAAATGTGAGTACAACTGTGGCT-3'

ClinVar aggregate classification (germline): Pathogenic. Review status: criteria provided, multiple submitters, no conflicts (2 of 4 stars). 2 submissions from 2 submitters: Pathogenic (2). Last evaluated 2022-05-04.

Conditions:
Familial X-linked hypophosphatemic vitamin D refractory rickets (XLHRD). Also called: Hypophosphatemic Rickets, X-Linked Dominant; X-Linked Hypophosphatemia; HYPOPHOSPHATEMIC VITAMIN D-RESISTANT RICKETS; Hypophosphatemia, vitamin D-resistant rickets; Vitamin D-resistant rickets, X-linked. Identifiers: Orphanet 89936, MedGen C0733682, MONDO:0010619, OMIM 307800.

Submissions (2):

Mendelics
Classification: Pathogenic for Familial X-linked hypophosphatemic vitamin D refractory rickets. Last evaluated: 2022-05-04. Review status: criteria provided, single submitter. Criteria: Mendelics Assertion Criteria 2019. Collection method: clinical testing. Allele origin: germline.

Labcorp Genetics (formerly Invitae), Labcorp
Classification: Pathogenic. Last evaluated: 2021-09-09. Review status: criteria provided, single submitter. Criteria: Invitae Variant Classification Sherloc (09022015). Collection method: clinical testing. Allele origin: germline.
Comment: This sequence change creates a premature translational stop signal (p.Tyr622Profs*3) in the PHEX gene. It is expected to result in an absent or disrupted protein product. Loss-of-function variants in PHEX are known to be pathogenic (PMID: 9097956, 9106524, 19219621). This variant is not present in population databases (ExAC no frequency). This premature translational stop signal has been observed in individual(s) with hypophosphatemic rickets (PMID: 26051471). For these reasons, this variant has been classified as Pathogenic.

Literature cited by the submitters: PubMed 9097956 (cited by Labcorp Genetics (formerly Invitae), Labcorp); PubMed 9106524 (cited by Labcorp Genetics (formerly Invitae), Labcorp); PubMed 19219621 (cited by Labcorp Genetics (formerly Invitae), Labcorp); PubMed 26051471 (cited by Labcorp Genetics (formerly Invitae), Labcorp).